The following is an entry in ClinVar:

NM_001326342.2(CELF2):c.74+3del

Gene: CELF2 (CUGBP Elav-like family member 2; plus strand). Cytogenetic location: 10p14.
Variant type: Deletion.
Coding change: c.74+3del on transcript NM_001326342.2 (MANE Select); 3 bases into the intron after coding-DNA position 74, one base deleted (G; older notation c.74+3delG).
Molecular consequence: intron variant.
Genome position (GRCh38, 1-based): chr10:11,018,166, G deleted. VCF-style (leftmost placement, unchanged base first): chr10-11018165-TG-T. GRCh37 (hg19) VCF-style: chr10-11060128-TG-T.
Other names: c.-20+98167del (NM_001326323.2, NM_001326320.2, NM_001326321.2 and 4 more transcripts); c.-20+77712del (NM_001326319.2); c.146+98167del (NM_001326325.2); c.89+98167del (NM_001326327.2, NM_001326326.2); c.-20+13168del (NM_001326330.2, NM_001326329.2); c.-205+12726del (NM_001326334.2); c.53+12726del (NM_001326336.2, NM_001326335.2, NM_001326337.2 and 4 more transcripts); c.-552+12726del (NM_001326333.2); and 2 more.
Identifiers: ClinVar variation 4999247 (VCV004999247.1).

ClinVar aggregate classification (germline): Uncertain significance (1 of 4 stars; one submission).

Conditions:
CELF2-related disorder. Also called: CELF2-related condition.

Submission:

PreventionGenetics, part of Exact Sciences
Classification: Uncertain significance for CELF2-related condition. Last evaluated: 2026-01-15. Review status: criteria provided, single submitter. Criteria: ACMG Guidelines, 2015. Collection method: clinical testing. Allele origin: germline.
Comment: The CELF2 c.74+3delG variant is predicted to result in an intronic deletion. To our knowledge, this variant has not been reported in the literature or in a large population database (gnomAD), indicating this variant is rare. At this time, the clinical significance of this variant is uncertain due to the absence of conclusive functional and genetic evidence.